The following is an entry in ClinVar:

NM_003482.4(KMT2D):c.49+3G>A

Gene: KMT2D (lysine methyltransferase 2D; minus strand). Cytogenetic location: 12q13.12.
Variant type: single nucleotide variant.
Coding change: c.49+3G>A on transcript NM_003482.4 (MANE Select); 3 bases into the intron after coding-DNA position 49, G replaced by A.
Molecular consequence: intron variant.
Genome position (GRCh38, 1-based): chr12:49,055,273, C>T on the plus strand (G>A on the coding strand, the complement: KMT2D is on the minus strand). VCF-style: chr12-49055273-C-T. GRCh37 (hg19) VCF-style: chr12-49449056-C-T.
Identifiers: ClinVar variation 3056544 (VCV003056544.2), dbSNP rs1386287108, ClinGen allele CA604886382.
Genomic context (GRCh38, chr12:49,055,273, plus strand): 5'-AGGACCAGAAATGTAAGGTTGCCAATGAAATCTAAAAGCAAACAAACAATTTGTCCTACT[C>T]ACCTGCCGGTTCTGAATCTTTATCCTCACCAGCCAGCTTCTGGCTGTCCATCCCTCTCTC-3'

ClinVar aggregate classification (germline): Likely benign (0 of 4 stars; one submission).

Conditions:
KMT2D-related disorder. Also called: KMT2D-Related Disorders.

gnomAD v4.1: 2 of 1,614,008 alleles (0.00012%); highest among the groups gnomAD compares: Admixed American, 0.0033%; no homozygotes.

Submission:

PreventionGenetics, part of Exact Sciences
Classification: Likely benign for KMT2D-related condition. Last evaluated: 2021-12-10. Review status: no assertion criteria provided. Collection method: clinical testing. Allele origin: germline.
Comment: This variant is classified as likely benign based on ACMG/AMP sequence variant interpretation guidelines (Richards et al. 2015 PMID: 25741868, with internal and published modifications).